The following is an entry in ClinVar:

ClinVar aggregate classification (germline): Uncertain significance. Review status: criteria provided, multiple submitters, no conflicts (2 of 4 stars). 2 submissions from 2 submitters: Uncertain significance (2). Last evaluated 2025-08-31.

Conditions:
Inborn genetic diseases. Identifiers: MedGen C0950123, MeSH D030342.
Chédiak-Higashi syndrome (CHS). Also called: Chediak-Higashi Syndrome. Identifiers: Orphanet 167, MedGen C0007965, MONDO:0008963, OMIM 214500.

Allele frequency attached by ClinVar (database versions not stated): gnomAD exomes below 0.00001; ExAC 0.00001; TOPMed 0.00001; gnomAD 0.00002.
gnomAD v4.1: 5 of 1,613,944 alleles (0.00031%); highest among the groups gnomAD compares: African/African-American, 0.0053%; no homozygotes.

Submissions (2):

Ambry Genetics
Classification: Uncertain significance for Inborn genetic diseases. Last evaluated: 2025-08-31. Review status: criteria provided, single submitter. Criteria: Ambry Variant Classification Scheme 2023. Collection method: clinical testing. Allele origin: germline.

Labcorp Genetics (formerly Invitae), Labcorp
Classification: Uncertain significance for Chédiak-Higashi syndrome. Last evaluated: 2022-05-27. Review status: criteria provided, single submitter. Criteria: Invitae Variant Classification Sherloc (09022015). Collection method: clinical testing. Allele origin: germline.
Comment: This sequence change replaces lysine, which is basic and polar, with glutamic acid, which is acidic and polar, at codon 689 of the LYST protein (p.Lys689Glu). This variant is present in population databases (rs777662601, gnomAD 0.01%). This variant has not been reported in the literature in individuals affected with LYST-related conditions. Algorithms developed to predict the effect of missense changes on protein structure and function (SIFT, PolyPhen-2, Align-GVGD) all suggest that this variant is likely to be tolerated. In summary, the available evidence is currently insufficient to determine the role of this variant in disease. Therefore, it has been classified as a Variant of Uncertain Significance.

NM_000081.4(LYST):c.2065A>G (p.Lys689Glu)

Gene: LYST (lysosomal trafficking regulator; minus strand). Cytogenetic location: 1q42.3.
Variant type: single nucleotide variant.
Coding change: c.2065A>G on transcript NM_000081.4 (MANE Select); coding-DNA position 2065, A replaced by G.
Protein change: p.Lys689Glu; replaces lysine 689 with glutamic acid.
Molecular consequence: missense variant.
Genome position (GRCh38, 1-based): chr1:235,808,753, T>C on the plus strand (A>G on the coding strand, the complement: LYST is on the minus strand). VCF-style: chr1-235808753-T-C. GRCh37 (hg19) VCF-style: chr1-235972053-T-C.
Other names: c.2065A>G, p.Lys689Glu (NM_001301365.1); c.2065A>G (NM_000081.2); short protein forms K689E.
Identifiers: ClinVar variation 1378000 (VCV001378000.4), dbSNP rs777662601, ClinGen allele CA1467359.